The following is an entry in ClinVar:

ClinVar aggregate classification (germline): Benign/Likely benign. Review status: criteria provided, multiple submitters, no conflicts (2 of 4 stars). 18 submissions from 18 submitters: Benign (7); Likely benign (8). 3 of the submissions do not count toward it. Last evaluated 2026-01-28.

Conditions:
CDH1-related diffuse gastric and lobular breast cancer syndrome. Also called: CDH1-related diffuse gastric and lobular breast cancer. Identifiers: MedGen CN311521, MONDO:0100488.
CDH1-related disorder. Also called: CDH1-related condition.
Breast and/or ovarian cancer. Identifiers: MedGen CN221562.
Hereditary cancer-predisposing syndrome. Also called: Neoplastic Syndromes, Hereditary; Tumor predisposition; Hereditary neoplastic syndrome; Hereditary Cancer Syndrome. Identifiers: Orphanet 140162, MedGen C0027672, MeSH D009386, MONDO:0015356.
Hereditary diffuse gastric adenocarcinoma (HDGC). Also called: DIFFUSE GASTRIC AND LOBULAR BREAST CANCER SYNDROME. Identifiers: Orphanet 26106, MedGen C1708349, MONDO:0007648, OMIM 137215.

Allele frequency attached by ClinVar (database versions not stated): gnomAD 0.00008 and 0.00013; TOPMed 0.00010; ESP Exome Variant Server 0.00015; 1000 Genomes Project 30x 0.00031; 1000 Genomes Project 0.00040.
gnomAD v4.1: 234 of 1,614,084 alleles (0.014%); highest among the groups gnomAD compares: East Asian, 0.27%; 3 homozygotes.

Submissions (18):

Labcorp Genetics (formerly Invitae), Labcorp
Classification: Benign for Hereditary diffuse gastric adenocarcinoma. Last evaluated: 2026-01-28. Review status: criteria provided, single submitter. Criteria: Invitae Variant Classification Sherloc (09022015). Collection method: clinical testing. Allele origin: germline.

PreventionGenetics, part of Exact Sciences
Classification: Likely benign for CDH1-related condition. Last evaluated: 2025-10-06. Review status: criteria provided, single submitter. Criteria: ACMG Guidelines, 2015. Collection method: clinical testing. Allele origin: germline.
Comment: This variant is classified as likely benign based on ACMG/AMP sequence variant interpretation guidelines (Richards et al. 2015 PMID: 25741868, with internal and published modifications).

Center for Genomic Medicine, Rigshospitalet, Copenhagen University Hospital
Classification: Likely benign. Last evaluated: 2025-03-04. Review status: criteria provided, single submitter. Criteria: ACMG Guidelines, 2015. Collection method: clinical testing. Allele origin: germline.

Department of Pathology and Laboratory Medicine, Sinai Health System
Classification: Likely benign for CDH1-related diffuse gastric and lobular breast cancer syndrome. Last evaluated: 2023-05-10. Review status: criteria provided, single submitter. Criteria: ACMG Guidelines, 2015. Collection method: clinical testing. Allele origin: germline. Affected: no.

Myriad Genetics, Inc.
Classification: Benign for Hereditary diffuse gastric adenocarcinoma. Last evaluated: 2023-03-06. Review status: criteria provided, single submitter. Criteria: Myriad Autosomal Dominant, Autosomal Recessive and X-Linked Classification Criteria (2023). Collection method: clinical testing. Allele origin: unknown.
Comment: This variant is considered benign. This variant is a silent/synonymous amino acid change and it is not expected to impact splicing.

Quest Diagnostics Nichols Institute San Juan Capistrano
Classification: Benign. Last evaluated: 2022-08-04. Review status: criteria provided, single submitter. Criteria: Quest Diagnostics criteria. Collection method: clinical testing. Allele origin: unknown.

European Reference Network on Genetic Tumour Risk Syndromes (ERN-GENTURIS), i3s - Instituto de Investigação e Inovação em Saúde, University of Porto
Classification: Likely benign for Hereditary diffuse gastric adenocarcinoma. Last evaluated: 2022-08-01. Review status: criteria provided, single submitter. Criteria: Lee et al. (Hum Mutat. 2018). Collection method: clinical testing. Allele origin: germline. Inheritance: Autosomal dominant inheritance. Affected: yes. Study: ERN GENTURIS.
Comment: BS1; BP2 (PMID: 30311375)

CHEO Genetics Diagnostic Laboratory, Children's Hospital of Eastern Ontario
Classification: Likely benign for Breast and/or ovarian cancer. Last evaluated: 2022-04-29. Review status: criteria provided, single submitter. Criteria: ACMG Guidelines, 2015. Collection method: clinical testing. Allele origin: germline.

Sema4
Classification: Benign for Hereditary cancer-predisposing syndrome. Last evaluated: 2021-10-11. Review status: criteria provided, single submitter. Criteria: Sema4 Curation Guidelines. Collection method: curation. Allele origin: germline.

Genetic Services Laboratory, University of Chicago
Classification: Likely benign. Last evaluated: 2021-01-07. Review status: criteria provided, single submitter. Criteria: ACMG Guidelines, 2015. Collection method: clinical testing. Allele origin: germline. Affected: no.

Illumina Laboratory Services, Illumina
Classification: Benign for Hereditary diffuse gastric adenocarcinoma. Last evaluated: 2018-01-12. Review status: criteria provided, single submitter. Criteria: ICSL Variant Classification Criteria 13 December 2019. Collection method: clinical testing. Allele origin: germline.
Comment: This variant was observed in the ICSL laboratory as part of a predisposition screen in an ostensibly healthy population. It had not been previously curated by ICSL or reported in the Human Gene Mutation Database (HGMD: prior to June 1st, 2018), and was therefore a candidate for classification through an automated scoring system. Utilizing variant allele frequency, disease prevalence and penetrance estimates, and inheritance mode, an automated score was calculated to assess if this variant is too frequent to cause the disease. Based on the score and internal cut-off values, a variant classified as benign is not then subjected to further curation. The score for this variant resulted in a classification of benign for this disease.

Women's Health and Genetics/Laboratory Corporation of America, LabCorp
Classification: Benign. Last evaluated: 2016-08-08. Review status: criteria provided, single submitter. Criteria: LabCorp Variant Classification Summary - May 2015. Collection method: clinical testing. Allele origin: germline.
Comment: Variant summary: The CDH1 c.1020G>A (p.Thr340Thr) variant involves the alteration of a non-conserved nucleotide, resulting in a synonymous change. Mutation taster predicts a damaging outcome for this variant while splice prediction tools indicate the variant not to have an impact on normal splicing. This variant was found in 22/121410 control chromosomes (1 homozygote), predominantly observed in the East Asian subpopulation at a frequency of 0.00104 (9/8654). This frequency is about 37 times the estimated maximal expected allele frequency of a pathogenic CDH1 variant (0.0000283), suggesting this is likely a benign polymorphism found primarily in the populations of East Asian origin. In addition, multiple clinical diagnostic laboratories/reputable databases classified this variant as benign. Taken together, this variant is classified as benign.

Color Diagnostics, LLC DBA Color Health
Classification: Likely benign for Hereditary cancer-predisposing syndrome. Last evaluated: 2015-04-28. Review status: criteria provided, single submitter. Criteria: ACMG Guidelines, 2015. Collection method: clinical testing. Allele origin: germline.

Ambry Genetics
Classification: Likely benign for Hereditary cancer-predisposing syndrome. Last evaluated: 2014-09-09. Review status: criteria provided, single submitter. Criteria: Ambry Variant Classification Scheme 2023. Collection method: clinical testing. Allele origin: germline.

GeneDx
Classification: Benign. Last evaluated: 2014-08-01. Review status: criteria provided, single submitter. Criteria: GeneDx Variant Classification (06012015). Collection method: clinical testing. Allele origin: germline. Affected: yes.
Comment: This variant is considered likely benign or benign based on one or more of the following criteria: it is a conservative change, it occurs at a poorly conserved position in the protein, it is predicted to be benign by multiple in silico algorithms, and/or has population frequency not consistent with disease.

Counsyl
Classification: Likely benign for Hereditary diffuse gastric adenocarcinoma. Last evaluated: 2018-03-12. Review status: no assertion criteria provided. Collection method: clinical testing. Allele origin: unknown. Not counted in ClinVar's aggregate classification.

Clinical Genetics DNA and cytogenetics Diagnostics Lab, Erasmus MC, Erasmus Medical Center
Classification: Likely benign. Review status: no assertion criteria provided. Collection method: clinical testing. Allele origin: germline. Affected: yes. Study: VKGL Data-share Consensus. Not counted in ClinVar's aggregate classification.

Joint Genome Diagnostic Labs from Nijmegen and Maastricht, Radboudumc and MUMC+
Classification: Likely benign. Review status: no assertion criteria provided. Collection method: clinical testing. Allele origin: germline. Affected: yes. Study: VKGL Data-share Consensus. Not counted in ClinVar's aggregate classification.

Literature cited by the submitters: PubMed 30287823 (cited by Quest Diagnostics Nichols Institute San Juan Capistrano); PubMed 26072394 (cited by 3 submitters); PubMed 36436516 (cited by European Reference Network on Genetic Tumour Risk Syndromes (ERN-GENTURIS), i3s - Instituto de Investigação e Inovação em Saúde, University of Porto).

NM_004360.5(CDH1):c.1020G>A (p.Thr340=)

Gene: CDH1 (cadherin 1; plus strand). Cytogenetic location: 16q22.1.
Variant type: single nucleotide variant.
Coding change: c.1020G>A on transcript NM_004360.5 (MANE Select); coding-DNA position 1020, G replaced by A.
Protein change: p.Thr340=; no amino-acid change (threonine 340 retained).
Molecular consequence: synonymous variant. On other transcripts: 5 prime UTR variant (2).
Genome position (GRCh38, 1-based): chr16:68,812,146, G>A. VCF-style: chr16-68812146-G-A. GRCh37 (hg19) VCF-style: chr16-68846049-G-A.
Other names: p.T340T:ACG>ACA; c.1020G>A, p.Thr340= (NM_001317184.2); c.-596G>A (NM_001317185.2); c.-800G>A (NM_001317186.2); c.1020G>A (LRG_301t1).
Identifiers: ClinVar variation 182380 (VCV000182380.41), dbSNP rs61747632, ClinGen allele CA298946.